The following is an entry in ClinVar:

ClinVar aggregate classification (germline): Benign. Review status: criteria provided, multiple submitters, no conflicts (2 of 4 stars). 3 submissions from 3 submitters: Benign (2). 1 of the submissions does not count toward it. Last evaluated 2021-11-07.

Conditions:
SCAPER-related disorder. Also called: SCAPER-related condition.
Intellectual developmental disorder and retinitis pigmentosa; IDDRP. Also called: INTELLECTUAL DEVELOPMENTAL DISORDER AND RETINITIS PIGMENTOSA. Identifiers: MedGen C4748658, MONDO:0032594, OMIM 618195.

Allele frequency attached by ClinVar (database versions not stated): ESP Exome Variant Server 0.29723; gnomAD 0.31626 and 0.32690; TOPMed 0.32214; gnomAD exomes 0.34578 and 0.37077; 1000 Genomes Project 30x 0.40678; 1000 Genomes Project 0.41573; ExAC 0.42488.
gnomAD v4.1: 553,884 of 1,607,546 alleles (34%); highest among the groups gnomAD compares: East Asian, 58%; 99,181 homozygotes.

Submissions (3):

Genome-Nilou Lab
Classification: Benign for Intellectual developmental disorder and retinitis pigmentosa; IDDRP. Last evaluated: 2021-11-07. Review status: criteria provided, single submitter. Criteria: ACMG Guidelines, 2015. Collection method: clinical testing. Allele origin: germline. Affected: no.

Breakthrough Genomics
Classification: Benign. Review status: criteria provided, single submitter. Criteria: ACMG Guidelines, 2015. Collection method: not provided. Allele origin: germline. Inheritance: Autosomal recessive inheritance. Affected: yes.

PreventionGenetics, part of Exact Sciences
Classification: Benign for SCAPER-related condition. Last evaluated: 2019-10-17. Review status: no assertion criteria provided. Collection method: clinical testing. Allele origin: germline. Not counted in ClinVar's aggregate classification.
Comment: This variant is classified as benign based on ACMG/AMP sequence variant interpretation guidelines (Richards et al. 2015 PMID: 25741868, with internal and published modifications).

NM_020843.4(SCAPER):c.3705+3A>G

Gene: SCAPER (S-phase cyclin A associated protein in the ER; minus strand). Cytogenetic location: 15q24.3.
Variant type: single nucleotide variant.
Coding change: c.3705+3A>G on transcript NM_020843.4 (MANE Select); 3 bases into the intron after coding-DNA position 3705, A replaced by G.
Molecular consequence: intron variant.
Genome position (GRCh38, 1-based): chr15:76,381,375, T>C on the plus strand (A>G on the coding strand, the complement: SCAPER is on the minus strand). VCF-style: chr15-76381375-T-C. GRCh37 (hg19) VCF-style: chr15-76673716-T-C.
Other names: c.3321+3A>G (NM_001353011.2); c.3303+3A>G (NM_001353012.2, NM_001353010.2); c.3723+3A>G (NM_001353009.2, NM_001353009.1); c.2967+3A>G (NM_001145923.2).
Identifiers: ClinVar variation 1327980 (VCV001327980.5), dbSNP rs3765115, ClinGen allele CA7674389.